The following is an entry in ClinVar:

NM_024408.4(NOTCH2):c.7139del (p.Val2380fs)

Gene: NOTCH2 (notch receptor 2; minus strand). Cytogenetic location: 1p12.
Variant type: Deletion.
Coding change: c.7139del on transcript NM_024408.4 (MANE Select); coding-DNA position 7139, one base deleted (T; older notation c.7139delT).
Protein change: p.Val2380fs; shifts the reading frame from valine 2380.
Molecular consequence: frameshift variant.
Genome position (GRCh38, 1-based): chr1:119,915,583, A deleted on the plus strand (T on the coding strand, the reverse complement: NOTCH2 is on the minus strand). VCF-style (leftmost placement, unchanged base first): chr1-119915582-CA-C. GRCh37 (hg19) VCF-style: chr1-120458205-CA-C.
Other names: short protein forms V2380fs.
Identifiers: ClinVar variation 4292269 (VCV004292269.1).
Genomic context (GRCh38, chr1:119,915,582, plus strand): 5'-TCGCTCAGCAGCATTTGAGGAAGCATAACTGTGCTGTGAAGGGGGTGTGGGGTACTTGCC[CA>C]CAGAGGCTGGGAAAGGATGATAGGCTGGGAGAATGGTCTGAGCTACCTGCCCGTCCTGCT-3'

ClinVar aggregate classification (germline): Uncertain significance (1 of 4 stars; one submission).

Conditions:
Hajdu-Cheney syndrome (HJCYS). Also called: ACROOSTEOLYSIS WITH OSTEOPOROSIS AND CHANGES IN SKULL AND MANDIBLE; SERPENTINE FIBULA-POLYCYSTIC KIDNEY SYNDROME; Acroosteolysis dominant type. Identifiers: Orphanet 955, MedGen C0917715, MONDO:0007057, OMIM 102500.

Submission:

3billion
Classification: Uncertain significance for Hajdu-Cheney syndrome. Last evaluated: 2024-11-08. Review status: criteria provided, single submitter. Criteria: ACMG Guidelines, 2015. Collection method: clinical testing. Allele origin: germline. Affected: yes.
Comment: The variant is not observed in the gnomAD v4.1.0 dataset. Predicted Consequence/Location: Frameshift: predicted to result in a loss or disruption of normal protein function through protein truncation. The predicted truncated protein may be shortened by less than 10%. Therefore, this variant is classified as VUS according to the recommendation of ACMG/AMP guideline.